The following is an entry in ClinVar:

NM_001378454.1(ALMS1):c.7898T>A (p.Leu2633Ter)

Gene: ALMS1 (ALMS1 centrosome and basal body associated protein; plus strand). Cytogenetic location: 2p13.1.
Variant type: single nucleotide variant.
Coding change: c.7898T>A on transcript NM_001378454.1 (MANE Select); coding-DNA position 7898, T replaced by A.
Protein change: p.Leu2633Ter; replaces leucine 2633 with a stop codon.
Molecular consequence: nonsense.
Genome position (GRCh38, 1-based): chr2:73,489,857, T>A. VCF-style: chr2-73489857-T-A. GRCh37 (hg19) VCF-style: chr2-73716984-T-A.
Other names: c.7901T>A, p.Leu2634Ter (NM_015120.4); short protein forms L2633*, L2634*.
Identifiers: ClinVar variation 1726892 (VCV001726892.2), dbSNP rs2103889971, ClinGen allele CA347266224.
Genomic context (GRCh38, chr2:73,489,857, plus strand): 5'-CCAGAGGACGGCAGAACCCATCATCATGCAGAGCCAAGCATGTCAACCTTTCTGCATCCT[T>A]AGACCAGAACAACTCCCATTTCAAAGTTTGGAATTCCTTGCAGTTAAAAAGTCATTCCCC-3'

ClinVar aggregate classification (germline): Likely pathogenic (1 of 4 stars; one submission).

Conditions:
Alstrom syndrome (ALMS). Identifiers: Orphanet 64, MedGen C0268425, MONDO:0008763, OMIM 203800.

Submission:

Myriad Genetics, Inc.
Classification: Likely pathogenic for Alstrom syndrome. Last evaluated: 2021-12-29. Review status: criteria provided, single submitter. Criteria: Myriad Women's Health Autosomal Recessive and X-Linked Classification Criteria (2021). Collection method: clinical testing. Allele origin: unknown.
Comment: NM_015120.4(ALMS1):c.7901T>A(L2634*) is expected to be pathogenic in the context of Alstrom syndrome. This variant is predicted to lead to an abnormal or absent protein product due to the creation of a premature termination codon in ALMS1, a gene where loss-of-function variants are known to be pathogenic. Please note: this variant was assessed in the context of healthy population screening.